The following is an entry in ClinVar:

ClinVar aggregate classification (germline): Uncertain significance (1 of 4 stars; one submission).

Conditions:
Episodic ataxia type 1 (EA1). Also called: ATAXIA, EPISODIC, WITH MYOKYMIA; MYOKYMIA WITH PERIODIC ATAXIA; PAROXYSMAL ATAXIA WITH NEUROMYOTONIA, HEREDITARY; Episodic ataxia/myokymia syndrome. Identifiers: Orphanet 37612, Orphanet 972, MedGen C1719788, MONDO:0008047, OMIM 160120.

Submission:

Labcorp Genetics (formerly Invitae), Labcorp
Classification: Uncertain significance for Episodic ataxia type 1. Last evaluated: 2026-01-26. Review status: criteria provided, single submitter. Criteria: Invitae Variant Classification Sherloc (09022015). Collection method: clinical testing. Allele origin: germline.
Comment: This sequence change replaces isoleucine, which is neutral and non-polar, with valine, which is neutral and non-polar, at codon 257 of the KCNA1 protein (p.Ile257Val). This variant is not present in population databases (gnomAD no frequency). This variant has not been reported in the literature in individuals affected with KCNA1-related conditions. Invitae Evidence Modeling of protein sequence and biophysical properties (such as structural, functional, and spatial information, amino acid conservation, physicochemical variation, residue mobility, and thermodynamic stability) has been performed for this missense variant. However, the output from this modeling did not meet the statistical confidence thresholds required to predict the impact of this variant on KCNA1 protein function. In summary, the available evidence is currently insufficient to determine the role of this variant in disease. Therefore, it has been classified as a Variant of Uncertain Significance.

NM_000217.3(KCNA1):c.769A>G (p.Ile257Val)

Gene: KCNA1 (potassium voltage-gated channel subfamily A member 1; plus strand). Cytogenetic location: 12p13.32.
Variant type: single nucleotide variant.
Coding change: c.769A>G on transcript NM_000217.3 (MANE Select); coding-DNA position 769, A replaced by G.
Protein change: p.Ile257Val; replaces isoleucine 257 with valine.
Molecular consequence: missense variant.
Genome position (GRCh38, 1-based): chr12:4,912,147, A>G. VCF-style: chr12-4912147-A-G. GRCh37 (hg19) VCF-style: chr12-5021313-A-G.
Other names: short protein forms I257V.
Identifiers: ClinVar variation 4738011 (VCV004738011.1).